The following is an entry in ClinVar:

NM_003052.5(SLC34A1):c.653C>T (p.Ala218Val)

Gene: SLC34A1 (solute carrier family 34 member 1; plus strand). Cytogenetic location: 5q35.3.
Variant type: single nucleotide variant.
Coding change: c.653C>T on transcript NM_003052.5 (MANE Select); coding-DNA position 653, C replaced by T.
Protein change: p.Ala218Val; replaces alanine 218 with valine.
Molecular consequence: missense variant.
Genome position (GRCh38, 1-based): chr5:177,388,002, C>T. VCF-style: chr5-177388002-C-T. GRCh37 (hg19) VCF-style: chr5-176815003-C-T.
Other names: c.653C>T, p.Ala218Val (NM_001167579.2); short protein forms A218V.
Identifiers: ClinVar variation 1016508 (VCV001016508.9), dbSNP rs141770901, ClinGen allele CA3580496.

ClinVar aggregate classification (germline): Uncertain significance. Review status: criteria provided, multiple submitters, no conflicts (2 of 4 stars). 2 submissions from 2 submitters: Uncertain significance (2). Last evaluated 2024-03-28.

Conditions:
Hypophosphatemic nephrolithiasis/osteoporosis 1. Identifiers: Orphanet 244305, MedGen C2676786, MONDO:0012850, OMIM 612286.
Fanconi renotubular syndrome 2 (FRTS2). Identifiers: MedGen C3150652, MONDO:0013247, OMIM 613388.
Hypercalcemia, infantile, 2 (HCINF2). Identifiers: Orphanet 300547, MedGen C4310473, MONDO:0014851, OMIM 616963.

Allele frequency attached by ClinVar (database versions not stated): TOPMed 0.00002; ExAC 0.00008; ESP Exome Variant Server 0.00008; gnomAD exomes 0.00009; 1000 Genomes Project 30x 0.00031; 1000 Genomes Project 0.00040.
gnomAD v4.1: 98 of 1,612,750 alleles (0.0061%); highest among the groups gnomAD compares: South Asian, 0.023%; no homozygotes.

Submissions (2):

Fulgent Genetics
Classification: Uncertain significance for Hypophosphatemic nephrolithiasis/osteoporosis 1; Fanconi renotubular syndrome 2; Hypercalcemia, infantile, 2. Last evaluated: 2024-03-28. Review status: criteria provided, single submitter. Criteria: ACMG Guidelines, 2015. Collection method: clinical testing. Allele origin: germline.

Labcorp Genetics (formerly Invitae), Labcorp
Classification: Uncertain significance. Last evaluated: 2021-05-29. Review status: criteria provided, single submitter. Criteria: Invitae Variant Classification Sherloc (09022015). Collection method: clinical testing. Allele origin: germline.
Comment: In summary, the available evidence is currently insufficient to determine the role of this variant in disease. Therefore, it has been classified as a Variant of Uncertain Significance. Experimental studies have shown that this variant affects SLC34A1 protein function (PMID: 30778725). This variant has been observed in individual(s) with nephrolithiasis (PMID: 30778725). This variant is present in population databases (rs141770901, ExAC 0.02%). This sequence change replaces alanine with valine at codon 218 of the SLC34A1 protein (p.Ala218Val). The alanine residue is highly conserved and there is a small physicochemical difference between alanine and valine.

Literature cited by the submitters: PubMed 30778725 (cited by Labcorp Genetics (formerly Invitae), Labcorp).